The following is an entry in ClinVar:

ClinVar aggregate classification (germline): Uncertain significance (1 of 4 stars; one submission).

Conditions:
Epidermolysis bullosa simplex, Ogna type (EBS5A). Also called: Pidermolysis bullosa simplex 5A, Ogna type; EPIDERMOLYSIS BULLOSA SIMPLEX 5A, OGNA TYPE. Identifiers: Orphanet 79401, MedGen C0432317, MONDO:0007555, OMIM 131950.
Epidermolysis bullosa simplex 5C, with pyloric atresia (EBS5C). Also called: Epidermolysis bullosa simplex with pyloric atresia; PLEC-Related Epidermolysis Bullosa with Pyloric Atresia; PLEC1-Related Epidermolysis Bullosa with Pyloric Atresia. Identifiers: Orphanet 158684, MedGen C2677349, MONDO:0012807, OMIM 612138.
Epidermolysis bullosa simplex with nail dystrophy (EBS5D). Identifiers: MedGen C4225309, MONDO:0014661, OMIM 616487.
Epidermolysis bullosa simplex 5B, with muscular dystrophy (EBS5B). Also called: EPIDERMOLYSIS BULLOSA SIMPLEX AND LIMB-GIRDLE MUSCULAR DYSTROPHY; Epidermolysis bullosa simplex with muscular dystrophy. Identifiers: Orphanet 257, MedGen C2931072, MONDO:0009181, OMIM 226670.
Autosomal recessive limb-girdle muscular dystrophy type 2Q (LGMDR17). Also called: MUSCULAR DYSTROPHY, LIMB-GIRDLE, AUTOSOMAL RECESSIVE 17. Identifiers: Orphanet 254361, MedGen C3150989, MONDO:0013390, OMIM 613723.

Allele frequency attached by ClinVar (database versions not stated): gnomAD 0.00002 and 0.00001; gnomAD exomes 0.00002; TOPMed 0.00002; ExAC 0.00003.
gnomAD v4.1: 32 of 1,609,680 alleles (0.002%); highest among the groups gnomAD compares: Middle Eastern, 0.066%; no homozygotes.

Submission:

Labcorp Genetics (formerly Invitae), Labcorp
Classification: Uncertain significance for Autosomal recessive limb-girdle muscular dystrophy type 2Q; Epidermolysis bullosa simplex, Ogna type; Epidermolysis bullosa simplex with nail dystrophy; Epidermolysis bullosa simplex 5C, with pyloric atresia; Epidermolysis bullosa simplex 5B, with muscular dystrophy. Last evaluated: 2025-08-08. Review status: criteria provided, single submitter. Criteria: Invitae Variant Classification Sherloc (09022015). Collection method: clinical testing. Allele origin: germline.
Comment: This sequence change replaces threonine, which is neutral and polar, with methionine, which is neutral and non-polar, at codon 940 of the PLEC protein (p.Thr940Met). This variant is present in population databases (rs782128136, gnomAD 0.01%). This variant has not been reported in the literature in individuals affected with PLEC-related conditions. ClinVar contains an entry for this variant (Variation ID: 650806). Experimental studies and prediction algorithms are not available or were not evaluated, and the functional significance of this variant is currently unknown. In summary, the available evidence is currently insufficient to determine the role of this variant in disease. Therefore, it has been classified as a Variant of Uncertain Significance.

NM_201384.3(PLEC):c.2738C>T (p.Thr913Met)

Gene: PLEC (plectin; minus strand). Cytogenetic location: 8q24.3.
Variant type: single nucleotide variant.
Coding change: c.2738C>T on transcript NM_201384.3 (MANE Select); coding-DNA position 2738, C replaced by T.
Protein change: p.Thr913Met; replaces threonine 913 with methionine.
Molecular consequence: missense variant.
Genome position (GRCh38, 1-based): chr8:143,929,937, G>A on the plus strand (C>T on the coding strand, the complement: PLEC is on the minus strand). VCF-style: chr8-143929937-G-A. GRCh37 (hg19) VCF-style: chr8-145004105-G-A.
Other names: c.2819C>T, p.Thr940Met (NM_000445.5); c.2696C>T, p.Thr899Met (NM_201378.4); c.2672C>T, p.Thr891Met (NM_201379.3); c.3149C>T, p.Thr1050Met (NM_201380.4); c.2642C>T, p.Thr881Met (NM_201381.3); c.2738C>T, p.Thr913Met (NM_201382.4); c.2750C>T, p.Thr917Met (NM_201383.3); short protein forms T891M, T917M, T940M, T1050M, T913M, T881M, T899M.
Identifiers: ClinVar variation 650806 (VCV000650806.6), dbSNP rs782128136, ClinGen allele CA4927402.